The following is an entry in ClinVar:

ClinVar aggregate classification (germline): Likely benign. Review status: criteria provided, multiple submitters, no conflicts (2 of 4 stars). 5 submissions from 5 submitters: Likely benign (5). Last evaluated 2026-01-12.

Conditions:
Cardiovascular phenotype. Identifiers: MedGen CN230736.
Noonan syndrome 1 (NS1). Also called: FEMALE PSEUDO-TURNER SYNDROME; PTPN11-Related Noonan Syndrome; TURNER PHENOTYPE WITH NORMAL KARYOTYPE. Identifiers: Orphanet 648, MedGen C4551602, MONDO:0008104, OMIM 163950. Disease mechanism: gain of function.
Juvenile myelomonocytic leukemia (JMML). Also called: LEUKEMIA, JUVENILE MYELOMONOCYTIC, SOMATIC. Identifiers: Orphanet 86834, MedGen C0349639, MONDO:0011908, OMIM 607785, HP:0012209.
LEOPARD syndrome 1 (LPRD1). Also called: LENTIGINOSIS, CARDIOMYOPATHIC; MULTIPLE LENTIGINES SYNDROME; PTPN11-Related LEOPARD Syndrome. Identifiers: Orphanet 500, MedGen C4551484, MONDO:0100082, OMIM 151100.
Metachondromatosis (METCDS). Identifiers: Orphanet 2499, MedGen C0410530, MONDO:0007979, OMIM 156250.
RASopathy. Also called: rasopathies; Noonan spectrum disorder. Identifiers: Orphanet 536391, MedGen C5555857, MONDO:0021060.

Allele frequency attached by ClinVar (database versions not stated): gnomAD 0.00001; gnomAD exomes 0.00001; TOPMed 0.00002; ESP Exome Variant Server 0.00008.
gnomAD v4.1: 12 of 1,613,998 alleles (0.00074%); highest among the groups gnomAD compares: South Asian, 0.0066%; no homozygotes.

Submissions (5):

Labcorp Genetics (formerly Invitae), Labcorp
Classification: Likely benign for RASopathy. Last evaluated: 2026-01-12. Review status: criteria provided, single submitter. Criteria: Invitae Variant Classification Sherloc (09022015). Collection method: clinical testing. Allele origin: germline.

Ambry Genetics
Classification: Likely benign for Cardiovascular phenotype. Last evaluated: 2023-06-17. Review status: criteria provided, single submitter. Criteria: Ambry Variant Classification Scheme 2023. Collection method: clinical testing. Allele origin: germline.

Fulgent Genetics
Classification: Likely benign for LEOPARD syndrome 1; Metachondromatosis; Noonan syndrome 1; Juvenile myelomonocytic leukemia. Last evaluated: 2021-10-20. Review status: criteria provided, single submitter. Criteria: ACMG Guidelines, 2015. Collection method: clinical testing. Allele origin: unknown.

GeneDx
Classification: Likely benign. Last evaluated: 2016-09-08. Review status: criteria provided, single submitter. Criteria: GeneDx Variant Classification (06012015). Collection method: clinical testing. Allele origin: germline. Affected: yes.
Comment: This variant is considered likely benign or benign based on one or more of the following criteria: it is a conservative change, it occurs at a poorly conserved position in the protein, it is predicted to be benign by multiple in silico algorithms, and/or has population frequency not consistent with disease.

PreventionGenetics, part of Exact Sciences
Classification: Likely benign. Review status: criteria provided, single submitter. Criteria: ACMG Guidelines, 2015. Collection method: clinical testing. Allele origin: germline.

NM_002834.5(PTPN11):c.1011G>A (p.Thr337=)

Gene: PTPN11 (protein tyrosine phosphatase non-receptor type 11; plus strand). Cytogenetic location: 12q24.13.
Variant type: single nucleotide variant.
Coding change: c.1011G>A on transcript NM_002834.5 (MANE Select); coding-DNA position 1011, G replaced by A.
Protein change: p.Thr337=; no amino-acid change (threonine 337 retained).
Molecular consequence: synonymous variant.
Genome position (GRCh38, 1-based): chr12:112,477,934, G>A. VCF-style: chr12-112477934-G-A. GRCh37 (hg19) VCF-style: chr12-112915738-G-A.
Other names: c.1011G>A, p.Thr337= (NM_001330437.2, NM_080601.3); c.1008G>A, p.Thr336= (NM_001374625.1).
Identifiers: ClinVar variation 258813 (VCV000258813.13), dbSNP rs371951288, ClinGen allele CA6798699.